The following is an entry in ClinVar:

ClinVar aggregate classification (germline): Uncertain significance. Review status: criteria provided, multiple submitters, no conflicts (2 of 4 stars). 2 submissions from 2 submitters: Uncertain significance (2). Last evaluated 2025-07-07.

Conditions:
Familial thoracic aortic aneurysm and aortic dissection (TAAD). Also called: Thoracic aortic aneurysms and dissections. Identifiers: Orphanet 91387, MedGen C4707243, MONDO:0019625.

gnomAD v4.1: 1 of 1,599,858 alleles (0.000063%); highest among the groups gnomAD compares: African/African-American, 0.0013%; no homozygotes.

Submissions (2):

Women's Health and Genetics/Laboratory Corporation of America, LabCorp
Classification: Uncertain significance. Last evaluated: 2025-07-07. Review status: criteria provided, single submitter. Criteria: LabCorp Variant Classification Summary - May 2015. Collection method: clinical testing. Allele origin: germline.
Comment: Variant summary: PLOD1 c.1471G>T (p.Asp491Tyr) results in a non-conservative amino acid change in the encoded protein sequence. Algorithms developed to predict the effect of missense changes on protein structure and function are either unavailable or do not agree on the potential impact of this missense change. Several computational tools predict a significant impact on normal splicing: Three predict the variant weakens a canonical 3' acceptor site. However, these predictions have yet to be confirmed by functional studies. The variant was absent in 250922 control chromosomes. The available data on variant occurrences in the general population are insufficient to allow any conclusion about variant significance. To our knowledge, no occurrence of c.1471G>T in individuals affected with Ehlers-Danlos Syndrome Type VI and no experimental evidence demonstrating its impact on protein function have been reported. ClinVar contains an entry for this variant (Variation ID: 3231125). Based on the evidence outlined above, the variant was classified as uncertain significance.

Ambry Genetics
Classification: Uncertain significance for Familial thoracic aortic aneurysm and aortic dissection. Last evaluated: 2022-12-23. Review status: criteria provided, single submitter. Criteria: Ambry Variant Classification Scheme 2023. Collection method: clinical testing. Allele origin: germline.
Comment: The p.D491Y variant (also known as c.1471G>T) is located in coding exon 14 of the PLOD1 gene. The aspartic acid at codon 491 is replaced by tyrosine, an amino acid with highly dissimilar properties. This change occurs in the first base pair of coding exon 14. This amino acid position is conserved. In addition, the in silico prediction for this alteration is inconclusive. Since supporting evidence is limited at this time, the clinical significance of this alteration remains unclear.

NM_000302.4(PLOD1):c.1471G>T (p.Asp491Tyr)

Gene: PLOD1 (procollagen-lysine,2-oxoglutarate 5-dioxygenase 1; plus strand). Cytogenetic location: 1p36.22.
Variant type: single nucleotide variant.
Coding change: c.1471G>T on transcript NM_000302.4 (MANE Select); coding-DNA position 1471, G replaced by T.
Protein change: p.Asp491Tyr; replaces aspartic acid 491 with tyrosine.
Molecular consequence: missense variant.
Genome position (GRCh38, 1-based): chr1:11,965,480, G>T. VCF-style: chr1-11965480-G-T. GRCh37 (hg19) VCF-style: chr1-12025537-G-T.
Other names: c.1612G>T, p.Asp538Tyr (NM_001316320.2); short protein forms D491Y, D538Y.
Identifiers: ClinVar variation 3231125 (VCV003231125.3), dbSNP rs1283020139, ClinGen allele CA338444325.